The following is an entry in ClinVar:

NM_000246.4(CIITA):c.*644C>G

Gene: CIITA (class II major histocompatibility complex transactivator; plus strand). Cytogenetic location: 16p13.13.
Variant type: single nucleotide variant.
Coding change: c.*644C>G on transcript NM_000246.4 (MANE Select); 644 bases downstream of the stop codon, C replaced by G.
Molecular consequence: 3 prime UTR variant. On other transcripts: non-coding transcript variant (1), intron variant (5).
Genome position (GRCh38, 1-based): chr16:10,924,499, C>G. VCF-style: chr16-10924499-C-G. GRCh37 (hg19) VCF-style: chr16-11018356-C-G.
Other names: c.*644C>G (NM_001286402.1, NM_001286403.2); c.*22+1174C>G (NM_001379332.1, NM_001379330.1, NM_001379333.1 and 2 more transcripts).
Identifiers: ClinVar variation 317743 (VCV000317743.5), dbSNP rs139802594, ClinGen allele CA10646937.
Genomic context (GRCh38, chr16:10,924,499, plus strand): 5'-GCCAGGCTGGTCTCAAACTCTTGACCTCAGGTGATCCACCCACCTCAGCCTCCCAAAGTG[C>G]TGGGATTACAAGCGTGAGCCACTGCACCGGGCCACAGAGAAAGTACTTCTCCACCCTGCT-3'

ClinVar aggregate classification (germline): Benign (1 of 4 stars; one submission).

Conditions:
MHC class II deficiency. Also called: Bare lymphocyte syndrome 2; BLS, TYPE II. Identifiers: Orphanet 572, MedGen C5447452, MONDO:0008855.

Allele frequency attached by ClinVar (database versions not stated): TOPMed 0.00757; 1000 Genomes Project 0.00799; gnomAD 0.00683 and 0.00727; 1000 Genomes Project 30x 0.00874.

Submission:

Illumina Laboratory Services, Illumina
Classification: Benign for MHC class II deficiency 1. Last evaluated: 2018-01-13. Review status: criteria provided, single submitter. Criteria: ICSL Variant Classification Criteria 13 December 2019. Collection method: clinical testing. Allele origin: germline.
Comment: This variant was observed in the ICSL laboratory as part of a predisposition screen in an ostensibly healthy population. It had not been previously curated by ICSL or reported in the Human Gene Mutation Database (HGMD: prior to June 1st, 2018), and was therefore a candidate for classification through an automated scoring system. Utilizing variant allele frequency, disease prevalence and penetrance estimates, and inheritance mode, an automated score was calculated to assess if this variant is too frequent to cause the disease. Based on the score and internal cut-off values, a variant classified as benign is not then subjected to further curation. The score for this variant resulted in a classification of benign for this disease.